The following is an entry in ClinVar:

ClinVar aggregate classification (germline): Uncertain significance (1 of 4 stars; one submission).

Conditions:
Hypertrophic cardiomyopathy. Also called: HYPERTROPHIC MYOCARDIOPATHY. Identifiers: Orphanet 217569, MedGen C0007194, MeSH D002312, MONDO:0005045, HP:0001639.

Submission:

Labcorp Genetics (formerly Invitae), Labcorp
Classification: Uncertain significance for Hypertrophic cardiomyopathy. Last evaluated: 2025-08-11. Review status: criteria provided, single submitter. Criteria: Invitae Variant Classification Sherloc (09022015). Collection method: clinical testing. Allele origin: germline.
Comment: This sequence change replaces threonine, which is neutral and polar, with isoleucine, which is neutral and non-polar, at codon 789 of the MYBPC3 protein (p.Thr789Ile). This variant is not present in population databases (gnomAD no frequency). This variant has not been reported in the literature in individuals affected with MYBPC3-related conditions. ClinVar contains an entry for this variant (Variation ID: 1366913). An algorithm developed to predict the effect of missense changes on protein structure and function (PolyPhen-2) suggests that this variant is likely to be tolerated. In summary, the available evidence is currently insufficient to determine the role of this variant in disease. Therefore, it has been classified as a Variant of Uncertain Significance.

NM_000256.3(MYBPC3):c.2366C>T (p.Thr789Ile)

Gene: MYBPC3 (myosin binding protein C3; minus strand). Cytogenetic location: 11p11.2.
Variant type: single nucleotide variant.
Coding change: c.2366C>T on transcript NM_000256.3 (MANE Select); coding-DNA position 2366, C replaced by T.
Protein change: p.Thr789Ile; replaces threonine 789 with isoleucine.
Molecular consequence: missense variant.
Genome position (GRCh38, 1-based): chr11:47,337,737, G>A on the plus strand (C>T on the coding strand, the complement: MYBPC3 is on the minus strand). VCF-style: chr11-47337737-G-A. GRCh37 (hg19) VCF-style: chr11-47359288-G-A.
Other names: short protein forms T789I.
Identifiers: ClinVar variation 1366913 (VCV001366913.8), dbSNP rs2142855718, ClinGen allele CA380318786.